The following is an entry in ClinVar:

NM_001378778.1(MPDZ):c.1256A>G (p.Asp419Gly)

Gene: MPDZ (multiple PDZ domain crumbs cell polarity complex component; minus strand). Cytogenetic location: 9p23.
Variant type: single nucleotide variant.
Coding change: c.1256A>G on transcript NM_001378778.1 (MANE Select); coding-DNA position 1256, A replaced by G.
Protein change: p.Asp419Gly; replaces aspartic acid 419 with glycine.
Molecular consequence: missense variant.
Genome position (GRCh38, 1-based): chr9:13,216,808, T>C on the plus strand (A>G on the coding strand, the complement: MPDZ is on the minus strand). VCF-style: chr9-13216808-T-C. GRCh37 (hg19) VCF-style: chr9-13216807-T-C.
Other names: c.1256A>G, p.Asp419Gly (NM_001261406.2, NM_001261407.2, NM_001330637.2 and 14 more transcripts); short protein forms D419G.
Identifiers: ClinVar variation 1383566 (VCV001383566.6), dbSNP rs765733279, ClinGen allele CA372944587.

ClinVar aggregate classification (germline): Uncertain significance (1 of 4 stars; one submission).

Submission:

Labcorp Genetics (formerly Invitae), Labcorp
Classification: Uncertain significance. Last evaluated: 2023-10-03. Review status: criteria provided, single submitter. Criteria: Invitae Variant Classification Sherloc (09022015). Collection method: clinical testing. Allele origin: germline.
Comment: This sequence change replaces aspartic acid, which is acidic and polar, with glycine, which is neutral and non-polar, at codon 419 of the MPDZ protein (p.Asp419Gly). This variant is not present in population databases (gnomAD no frequency). This variant has not been reported in the literature in individuals affected with MPDZ-related conditions. ClinVar contains an entry for this variant (Variation ID: 1383566). An algorithm developed to predict the effect of missense changes on protein structure and function (PolyPhen-2) suggests that this variant is likely to be disruptive. In summary, the available evidence is currently insufficient to determine the role of this variant in disease. Therefore, it has been classified as a Variant of Uncertain Significance.